The following is an entry in ClinVar:

ClinVar aggregate classification (germline): Uncertain significance (1 of 4 stars; one submission).

Conditions:
Juvenile polyposis syndrome (JPS). Identifiers: Orphanet 2929, MedGen C0345893, MONDO:0017380, OMIM 174900.

Submission:

Labcorp Genetics (formerly Invitae), Labcorp
Classification: Uncertain significance for Juvenile polyposis syndrome. Last evaluated: 2025-12-17. Review status: criteria provided, single submitter. Criteria: Invitae Variant Classification Sherloc (09022015). Collection method: clinical testing. Allele origin: germline.
Comment: This sequence change replaces leucine, which is neutral and non-polar, with serine, which is neutral and polar, at codon 57 of the SMAD4 protein (p.Leu57Ser). This variant is not present in population databases (gnomAD no frequency). This variant has not been reported in the literature in individuals affected with SMAD4-related conditions. Invitae Evidence Modeling of protein sequence and biophysical properties (such as structural, functional, and spatial information, amino acid conservation, physicochemical variation, residue mobility, and thermodynamic stability) has been performed for this missense variant. However, the output from this modeling did not meet the statistical confidence thresholds required to predict the impact of this variant on SMAD4 protein function. In summary, the available evidence is currently insufficient to determine the role of this variant in disease. Therefore, it has been classified as a Variant of Uncertain Significance.

NM_005359.6(SMAD4):c.170T>C (p.Leu57Ser)

Gene: SMAD4 (SMAD family member 4; plus strand). Cytogenetic location: 18q21.2.
Variant type: single nucleotide variant.
Coding change: c.170T>C on transcript NM_005359.6 (MANE Select); coding-DNA position 170, T replaced by C.
Protein change: p.Leu57Ser; replaces leucine 57 with serine.
Molecular consequence: missense variant. On other transcripts: non-coding transcript variant (2).
Genome position (GRCh38, 1-based): chr18:51,047,216, T>C. VCF-style: chr18-51047216-T-C. GRCh37 (hg19) VCF-style: chr18-48573586-T-C.
Other names: c.170T>C, p.Leu57Ser (NM_001407041.1, NM_001407042.1, NM_001407043.1); short protein forms L57S.
Identifiers: ClinVar variation 4803015 (VCV004803015.1).
Genomic context (GRCh38, chr18:51,047,216, plus strand): 5'-AAAGAGCAATTGAAAGTTTGGTAAAGAAGCTGAAGGAGAAAAAAGATGAATTGGATTCTT[T>C]AATAACAGCTATAACTACAAATGGAGCTCATCCTAGTAAATGTGTTACCATACAGAGAAC-3'
Protein context (NP_005350.1, residues 47-67): LKEKKDELDS[Leu57Ser]ITAITTNGAH